The following is an entry in ClinVar:

NM_006185.4(NUMA1):c.752T>C (p.Ile251Thr)

Genes: NUMA1 (nuclear mitotic apparatus protein 1; minus strand), NUMA1-AS1 (NUMA1 antisense RNA 1; plus strand), LOC126861257 (BRD4-independent group 4 enhancer GRCh37_chr11:71728895-71730094; plus strand). Cytogenetic location: 11q13.4.
Variant type: single nucleotide variant.
Coding change: c.752T>C on transcript NM_006185.4 (MANE Select); coding-DNA position 752, T replaced by C.
Protein change: p.Ile251Thr; replaces isoleucine 251 with threonine.
Molecular consequence: missense variant. On other transcripts: non-coding transcript variant (1).
Genome position (GRCh38, 1-based): chr11:72,018,504, A>G on the plus strand (T>C on the coding strand, the complement: NUMA1 is on the minus strand). VCF-style: chr11-72018504-A-G. GRCh37 (hg19) VCF-style: chr11-71729550-A-G.
Other names: c.752T>C, p.Ile251Thr (NM_001286561.2); short protein forms I251T.
Identifiers: ClinVar variation 2631140 (VCV002631140.1), dbSNP rs2496276806, ClinGen allele CA381771284.

ClinVar aggregate classification (germline): Uncertain significance (1 of 4 stars; one submission).

Conditions:
NUMA1-related disorder. Also called: NUMA1-related condition.

Allele frequency attached by ClinVar (database versions not stated): gnomAD exomes 0.00001.
gnomAD v4.1: 15 of 1,613,924 alleles (0.00093%); highest among the groups gnomAD compares: Middle Eastern, 0.016%; no homozygotes.

Submission:

PreventionGenetics, part of Exact Sciences
Classification: Uncertain significance for NUMA1-related condition. Last evaluated: 2023-09-04. Review status: criteria provided, single submitter. Criteria: ACMG Guidelines, 2015. Collection method: clinical testing. Allele origin: germline.
Comment: The NUMA1 c.752T>C variant is predicted to result in the amino acid substitution p.Ile251Thr. To our knowledge, this variant has not been reported in the literature or in a large population database, indicating this variant is rare. At this time, the clinical significance of this variant is uncertain due to the absence of conclusive functional and genetic evidence.